The following is an entry in ClinVar:

NM_000492.4(CFTR):c.4252G>T (p.Glu1418Ter)

Genes: CFTR (CF transmembrane conductance regulator; plus strand), LOC111674477 (CFTR intron 23 enhancer; plus strand). Cytogenetic location: 7q31.2.
Variant type: single nucleotide variant.
Coding change: c.4252G>T on transcript NM_000492.4 (MANE Select); coding-DNA position 4252, G replaced by T.
Protein change: p.Glu1418Ter; replaces glutamic acid 1418 with a stop codon.
Molecular consequence: nonsense.
Genome position (GRCh38, 1-based): chr7:117,666,917, G>T. VCF-style: chr7-117666917-G-T. GRCh37 (hg19) VCF-style: chr7-117306971-G-T.
Other names: short protein forms E1418*.
Identifiers: ClinVar variation 53934 (VCV000053934.8), dbSNP rs397508707, ClinGen allele CA327469.
Genomic context (GRCh38, chr7:117,666,917, plus strand): 5'-CTGGTCTGACCTGCCTTCTGTCCCAGATCTCACTAACAGCCATTTCCCTAGGTCATAGAA[G>T]AGAACAAAGTGCGGCAGTACGATTCCATCCAGAAACTGCTGAACGAGAGGAGCCTCTTCC-3'

ClinVar aggregate classification (germline): Pathogenic. Review status: criteria provided, single submitter (1 of 4 stars). 2 submissions from 2 submitters: Pathogenic (1). 1 of the submissions does not count toward it. Last evaluated 2022-06-26.

Conditions:
Cystic fibrosis (CF). Also called: MUCOVISCIDOSIS. Identifiers: Orphanet 586, MedGen C0010674, MONDO:0009061, OMIM 219700. Disease mechanism: loss of function.

Allele frequency attached by ClinVar (database versions not stated): gnomAD exomes below 0.00001.
gnomAD v4.1: 1 of 1,614,030 alleles (0.000062%); highest among the groups gnomAD compares: South Asian, 0.0011%; no homozygotes.

Submissions (2):

Labcorp Genetics (formerly Invitae), Labcorp
Classification: Pathogenic for Cystic fibrosis. Last evaluated: 2022-06-26. Review status: criteria provided, single submitter. Criteria: Invitae Variant Classification Sherloc (09022015). Collection method: clinical testing. Allele origin: germline.
Comment: For these reasons, this variant has been classified as Pathogenic. This sequence change creates a premature translational stop signal (p.Glu1418*) in the CFTR gene. While this is not anticipated to result in nonsense mediated decay, it is expected to disrupt the last 63 amino acid(s) of the CFTR protein. This variant is not present in population databases (gnomAD no frequency). This premature translational stop signal has been observed in individual(s) with cystic fibrosis (PMID: 20522854). ClinVar contains an entry for this variant (Variation ID: 53934). Algorithms developed to predict the effect of variants on protein structure and function are not available or were not evaluated for this variant. Experimental studies have shown that this premature translational stop signal affects CFTR function (PMID: 30444886). This variant disrupts a region of the CFTR protein in which other variant(s) (p.Gln1476*) have been determined to be pathogenic (PMID: 11938439, 22020151, 25910067, 28544683, 30444886). This suggests that this is a clinically significant region of the protein, and that variants that disrupt it are likely to be disease-causing.

Counsyl
Classification: Likely pathogenic for Cystic fibrosis. Last evaluated: 2016-09-20. Review status: no assertion criteria provided. Collection method: clinical testing. Allele origin: unknown. Not counted in ClinVar's aggregate classification.

Literature cited by the submitters: PubMed 20522854 (cited by Labcorp Genetics (formerly Invitae), Labcorp and Counsyl); PubMed 30444886 (cited by Labcorp Genetics (formerly Invitae), Labcorp); PubMed 11938439 (cited by Labcorp Genetics (formerly Invitae), Labcorp); PubMed 22020151 (cited by Labcorp Genetics (formerly Invitae), Labcorp); PubMed 25910067 (cited by Labcorp Genetics (formerly Invitae), Labcorp); PubMed 28544683 (cited by Labcorp Genetics (formerly Invitae), Labcorp).